The following is an entry in ClinVar:

ClinVar aggregate classification (germline): Likely pathogenic (1 of 4 stars; one submission).

Conditions:
MMP2-related disorder. Also called: MMP2-related condition.

Allele frequency attached by ClinVar (database versions not stated): gnomAD exomes below 0.00001; ExAC 0.00003.
gnomAD v4.1: 5 of 1,421,518 alleles (0.00035%); highest among the groups gnomAD compares: South Asian, 0.0057%; no homozygotes.

Submissions (2):

PreventionGenetics, part of Exact Sciences
Classification: Likely pathogenic for MMP2-related condition. Last evaluated: 2023-03-22. Review status: criteria provided, single submitter. Criteria: ACMG Guidelines, 2015. Collection method: clinical testing. Allele origin: germline.
Comment: The MMP2 c.1336+2T>G variant is predicted to disrupt the GT donor site and interfere with normal splicing. To our knowledge, this variant has not been reported in the literature. This variant is reported in 0.013% of alleles in individuals of South Asian descent in gnomAD. Variants that disrupt the consensus splice donor site in MMP2 are expected to be pathogenic. This variant is interpreted as likely pathogenic.

Dr. Peter K. Rogan Lab, Western University
No classification provided (evidence only). Condition: Ovarian serous cystadenocarcinoma. Review status: no classification provided. Collection method: in vitro. Allele origin: not applicable. Functional consequence: retained intron. Not counted in ClinVar's aggregate classification.

NM_004530.6(MMP2):c.1336+2T>G

Gene: MMP2 (matrix metallopeptidase 2; plus strand). Cytogenetic location: 16q12.2.
Variant type: single nucleotide variant.
Coding change: c.1336+2T>G on transcript NM_004530.6 (MANE Select); the canonical splice donor site of the intron after coding-DNA position 1336, T replaced by G.
Molecular consequence: splice donor variant.
Genome position (GRCh38, 1-based): chr16:55,491,958, T>G. VCF-style: chr16-55491958-T-G. GRCh37 (hg19) VCF-style: chr16-55525870-T-G.
Other names: NC_000016.9:g.55525870T>G; c.1108+2T>G (NM_001302508.1, NM_001302510.2, NM_001302509.2); c.1186+2T>G (NM_001127891.3).
Identifiers: ClinVar variation 2636522 (VCV002636522.2), dbSNP rs746668134, ClinGen allele CA8060372.